The following is an entry in ClinVar:

NM_000188.3(HK1):c.1546G>A (p.Val516Ile)

Gene: HK1 (hexokinase 1; plus strand). Cytogenetic location: 10q22.1.
Variant type: single nucleotide variant.
Coding change: c.1546G>A on transcript NM_000188.3 (MANE Select); coding-DNA position 1546, G replaced by A.
Protein change: p.Val516Ile; replaces valine 516 with isoleucine.
Molecular consequence: missense variant. On other transcripts: non-coding transcript variant (2).
Genome position (GRCh38, 1-based): chr10:69,382,767, G>A. VCF-style: chr10-69382767-G-A. GRCh37 (hg19) VCF-style: chr10-71142523-G-A.
Other names: c.1558G>A, p.Val520Ile (NM_001322364.2, NM_001358263.1, NM_033497.3 and 1 more transcripts); c.1651G>A, p.Val551Ile (NM_001322365.2); c.1504G>A, p.Val502Ile (NM_001441142.1); c.1462G>A, p.Val488Ile (NM_001441143.1, NM_001322366.1); c.1426G>A, p.Val476Ile (NM_001441144.1); c.1546G>A, p.Val516Ile (NM_001441145.1, NM_001441146.1, NM_001441148.1 and 2 more transcripts); c.1324G>A, p.Val442Ile (NM_001441147.1); c.1180G>A, p.Val394Ile (NM_001441149.1); and 8 more; short protein forms V303I, V442I, V484I, V504I, V394I, V513I, V520I, V386I.
Identifiers: ClinVar variation 4759672 (VCV004759672.1).

ClinVar aggregate classification (germline): Uncertain significance (1 of 4 stars; one submission).

Submission:

Labcorp Genetics (formerly Invitae), Labcorp
Classification: Uncertain significance. Last evaluated: 2025-07-14. Review status: criteria provided, single submitter. Criteria: Invitae Variant Classification Sherloc (09022015). Collection method: clinical testing. Allele origin: germline.
Comment: This sequence change replaces valine, which is neutral and non-polar, with isoleucine, which is neutral and non-polar, at codon 516 of the HK1 protein (p.Val516Ile). This variant is not present in population databases (gnomAD no frequency). This variant has not been reported in the literature in individuals affected with HK1-related conditions. Invitae Evidence Modeling of protein sequence and biophysical properties (such as structural, functional, and spatial information, amino acid conservation, physicochemical variation, residue mobility, and thermodynamic stability) indicates that this missense variant is not expected to disrupt HK1 protein function with a negative predictive value of 80%. In summary, the available evidence is currently insufficient to determine the role of this variant in disease. Therefore, it has been classified as a Variant of Uncertain Significance.